The following continues an entry in ClinVar:

NM_032043.3(BRIP1):c.2593C>T (p.Arg865Trp)

Gene: BRIP1. ClinVar aggregate classification (germline): Uncertain significance. Uncertain significance (15).

Submissions 9 to 17 of 17:

Women's Health and Genetics/Laboratory Corporation of America, LabCorp
Classification: Uncertain significance. Last evaluated: 2024-05-24. Review status: criteria provided, single submitter. Criteria: LabCorp Variant Classification Summary - May 2015. Collection method: clinical testing. Allele origin: germline.
Comment: Variant summary: BRIP1 c.2593C>T (p.Arg865Trp) results in a non-conservative amino acid change located in the ATP-dependent helicase, C-terminal domain (IPR006555) of the encoded protein sequence. Five of five in-silico tools predict a damaging effect of the variant on protein function. The variant allele was found at a frequency of 2e-05 in 250326 control chromosomes. The available data on variant occurrences in the general population are insufficient to allow any conclusion about variant significance. c.2593C>T has been reported in the literature in individuals affected with breast or ovarian cancer (e.g. Weber-Lassalle_2018, Moyer_2020, de Oliveira_2022). In a recent large study evaluating breast cancer cases and controls in the Breast Cancer Association Consortium (BCAC), the variant was reported in 5/60466 cases, but was also found in 2/53461 controls (Dorling_2021 through LOVD). The variant has also been found in 2/7,325 women of European American ancestry who were over 70 years of age, and never had cancer (FLOSSIES database). In addition, the variant was reported in one individual with melanoma from a melanoma-affected family, but the variant did not co-segregate with disease (Potjer_2018). These report(s) do not provide unequivocal conclusions about association of the variant with Hereditary Breast And Ovarian Cancer Syndrome. At least one publication reported experimental evidence evaluating an impact on protein function, and demonstrated that the variant protein had a reduced half-life in vitro compared to the wild-type protein and was unable to rescue a BRIP1 null phenotype in an inter-strand cross link damage survival assay (Moyer_2020). The following publications have been ascertained in the context of this evaluation (PMID: 30414346, 29368626, 31822495, 33471991, 35534704). ClinVar contains an entry for this variant (Variation ID: 230320). Based on the evidence outlined above, the variant was classified as uncertain significance.

Baylor Genetics
Classification: Uncertain significance for Familial cancer of breast. Last evaluated: 2024-02-19. Review status: criteria provided, single submitter. Criteria: ACMG Guidelines, 2015. Collection method: clinical testing. Allele origin: unknown.

GeneDx
Classification: Uncertain significance. Last evaluated: 2023-12-07. Review status: criteria provided, single submitter. Criteria: GeneDx Variant Classification Process June 2021. Collection method: clinical testing. Allele origin: germline. Affected: yes.
Comment: In silico analysis supports that this missense variant has a deleterious effect on protein structure/function; Published functional studies suggest a damaging effect: demonstrates inability to rescue growth in cell viability assays (PMID: 31822495); This variant is associated with the following publications: (PMID: 30414346, 29368626, 29641532, 33471991, 35534704, 31822495, 35264596, Ma2019[article])

Myriad Genetics, Inc.
Classification: Uncertain significance for Familial cancer of breast. Last evaluated: 2023-02-27. Review status: criteria provided, single submitter. Criteria: Myriad Autosomal Dominant, Autosomal Recessive and X-Linked Classification Criteria (2023). Collection method: clinical testing. Allele origin: unknown.
Comment: This variant is classified as a variant of uncertain significance as there is insufficient evidence to determine its impact on protein function and/or cancer risk.

Department of Pathology and Laboratory Medicine, Sinai Health System
Classification: Uncertain significance for Hereditary breast ovarian cancer syndrome. Last evaluated: 2021-07-12. Review status: criteria provided, single submitter. Criteria: ACMG Guidelines, 2015. Collection method: clinical testing. Allele origin: germline. Affected: yes.

Sema4
Classification: Uncertain significance for Hereditary cancer-predisposing syndrome. Last evaluated: 2021-04-21. Review status: criteria provided, single submitter. Criteria: Sema4 Curation Guidelines. Collection method: curation. Allele origin: germline.
Comment: The BRIP1 c.2593C>T (p.R865W) variant has been reported in heterozygosity in at least six individuals with breast cancer, two individuals with ovarian cancer and one individual with melanoma (PMID: 30414346, 31822495). It was observed in 1/19946 chromosomes of the East Asian subpopulation in the large and broad cohorts of the Genome Aggregation Database (PMID: 32461654). The variant has been reported in ClinVar (Variation ID: 230320). In silico tools suggest the impact of the variant on protein function is deleterious and functional studies indicate that this variant impaired protein's ability to repair inter-strand cross link damage in transfected cells (PMID: 31822495). The evidence is insufficient to meet ACMG/AMP criteria for classifying the variant as benign or pathogenic. Thus, the clinical significance of this variant is currently uncertain.

Mendelics
Classification: Uncertain significance for Fanconi anemia, complementation group J. Last evaluated: 2018-07-02. Review status: criteria provided, single submitter. Criteria: Mendelics Assertion Criteria 2017. Collection method: clinical testing. Allele origin: unknown.

PreventionGenetics, part of Exact Sciences
Classification: Uncertain significance for BRIP1-related condition. Last evaluated: 2024-06-04. Review status: no assertion criteria provided. Collection method: clinical testing. Allele origin: germline. Not counted in ClinVar's aggregate classification.
Comment: The BRIP1 c.2593C>T variant is predicted to result in the amino acid substitution p.Arg865Trp. This variant has been reported in individuals with melanoma, breast cancer, and ovarian cancer (Table 2, Moyer et al. 2019. PubMed ID: 31822495; Table 4, Potjer et al. 2019. PubMed ID: 30414346; Table S3, Weber-Lassalle et al. 2018. PubMed ID; 29368626). It has also been reported in control individuals from several cancer cohort studies (Table S3, Weber-Lassalle et al. 2018. PubMed ID; 29368626; Table S3, Prichard et al. 2018. PubMed ID: 29641532). In vitro experimental studies suggest that this variant may impair protein activity (Table 12, Moyer et al. 2019. PubMed ID: 31822495). This variant is reported in 0.0050% of alleles in individuals of East Asian descent in gnomAD and is interpreted as uncertain significance in ClinVar. At this time, the clinical significance of this variant is uncertain due to the absence of conclusive functional and genetic evidence.

Counsyl
Classification: Uncertain significance for Fanconi anemia complementation group J; Ovarian cancer. Last evaluated: 2017-05-17. Review status: no assertion criteria provided. Collection method: clinical testing. Allele origin: unknown. Not counted in ClinVar's aggregate classification.

Literature cited by the submitters: PubMed 29368626 (cited by 4 submitters); PubMed 31822495 (cited by 8 submitters); PubMed 35534704 (cited by 4 submitters); PubMed 30414346 (cited by 6 submitters); PubMed 29641532 (cited by 3 submitters); PubMed 33471991 (cited by 4 submitters); PubMed 35264596 (cited by 3 submitters).